The following is an entry in ClinVar:

NM_030753.5(WNT3):c.1051G>A (p.Val351Met)

Genes: LRRC37A2 (leucine rich repeat containing 37 member A2), WNT3 (Wnt family member 3; minus strand). Cytogenetic location: 17q21.31.
Variant type: single nucleotide variant.
Coding change: c.1051G>A on transcript NM_030753.5 (MANE Select); coding-DNA position 1051, G replaced by A.
Protein change: p.Val351Met; replaces valine 351 with methionine.
Molecular consequence: missense variant.
Genome position (GRCh38, 1-based): chr17:46,768,337, C>T on the plus strand (G>A on the coding strand, the complement: WNT3 is on the minus strand). VCF-style: chr17-46768337-C-T. GRCh37 (hg19) VCF-style: chr17-44845703-C-T.
Other names: c.1051G>A (NM_030753.3); short protein forms V351M.
Identifiers: ClinVar variation 1476957 (VCV001476957.10), dbSNP rs1265723023, ClinGen allele CA400009466.

ClinVar aggregate classification (germline): Uncertain significance. Review status: criteria provided, multiple submitters, no conflicts (2 of 4 stars). 2 submissions from 2 submitters: Uncertain significance (2). Last evaluated 2023-01-17.

Allele frequency attached by ClinVar (database versions not stated): gnomAD 0.00002 and 0.00001; gnomAD exomes 0.00001; TOPMed 0.00001.
gnomAD v4.1: 11 of 1,613,570 alleles (0.00068%); highest among the groups gnomAD compares: Middle Eastern, 0.016%; no homozygotes.

Submissions (2):

Ambry Genetics
Classification: Uncertain significance. Last evaluated: 2023-01-17. Review status: criteria provided, single submitter. Criteria: Ambry Variant Classification Scheme 2023. Collection method: clinical testing. Allele origin: germline.

Labcorp Genetics (formerly Invitae), Labcorp
Classification: Uncertain significance. Last evaluated: 2021-05-21. Review status: criteria provided, single submitter. Criteria: Invitae Variant Classification Sherloc (09022015). Collection method: clinical testing. Allele origin: germline.
Comment: In summary, the available evidence is currently insufficient to determine the role of this variant in disease. Therefore, it has been classified as a Variant of Uncertain Significance. Algorithms developed to predict the effect of missense changes on protein structure and function are either unavailable or do not agree on the potential impact of this missense change (SIFT: "Deleterious"; PolyPhen-2: "Probably Damaging"; Align-GVGD: "Class C0"). This variant has not been reported in the literature in individuals with WNT3-related conditions. This variant is not present in population databases (ExAC no frequency). This sequence change replaces valine with methionine at codon 351 of the WNT3 protein (p.Val351Met). The valine residue is highly conserved and there is a small physicochemical difference between valine and methionine.